The following is an entry in ClinVar:

NM_002734.5(PRKAR1A):c.796dup (p.Thr266fs)

Gene: PRKAR1A (protein kinase cAMP-dependent type I regulatory subunit alpha; plus strand). Cytogenetic location: 17q24.2.
Variant type: Duplication.
Coding change: c.796dup on transcript NM_002734.5 (MANE Select); coding-DNA position 796, one base duplicated (A; older notation c.796dupA).
Protein change: p.Thr266fs; shifts the reading frame from threonine 266.
Molecular consequence: frameshift variant.
Genome position (GRCh38, 1-based): chr17:68,528,896, A duplicated. VCF-style (leftmost placement, unchanged base first): chr17-68528895-T-TA. GRCh37 (hg19) VCF-style: chr17-66525036-T-TA.
Other names: c.796dup, p.Thr266fs (NM_001276289.2, NM_001276290.1, NM_001278433.2 and 4 more transcripts); short protein forms T266fs.
Identifiers: ClinVar variation 2736639 (VCV002736639.3), dbSNP rs2509437411, ClinGen allele CA2695226876.

ClinVar aggregate classification (germline): Pathogenic (1 of 4 stars; one submission).

Conditions:
Carney complex, type 1 (CNC1). Also called: CARNEY COMPLEX, TYPE I; CARNEY MYXOMA-ENDOCRINE COMPLEX. Identifiers: Orphanet 1359, MedGen C2607929, MONDO:0008057, OMIM 160980.

Submission:

Labcorp Genetics (formerly Invitae), Labcorp
Classification: Pathogenic for Carney complex, type 1. Last evaluated: 2024-12-11. Review status: criteria provided, single submitter. Criteria: Invitae Variant Classification Sherloc (09022015). Collection method: clinical testing. Allele origin: germline.
Comment: This sequence change creates a premature translational stop signal (p.Thr266Asnfs*4) in the PRKAR1A gene. It is expected to result in an absent or disrupted protein product. Loss-of-function variants in PRKAR1A are known to be pathogenic (PMID: 11115848, 19293268). This variant is not present in population databases (gnomAD no frequency). This premature translational stop signal has been observed in individual(s) with Carney complex (PMID: 19539840). ClinVar contains an entry for this variant (Variation ID: 2736639). For these reasons, this variant has been classified as Pathogenic.

Literature cited by the submitters: PubMed 11115848; PubMed 19293268; PubMed 19539840.